The following is an entry in ClinVar:

NM_015915.5(ATL1):c.1423A>G (p.Ser475Gly)

Gene: ATL1 (atlastin GTPase 1; plus strand). Cytogenetic location: 14q22.1.
Variant type: single nucleotide variant.
Coding change: c.1423A>G on transcript NM_015915.5 (MANE Select); coding-DNA position 1423, A replaced by G.
Protein change: p.Ser475Gly; replaces serine 475 with glycine.
Molecular consequence: missense variant.
Genome position (GRCh38, 1-based): chr14:50,628,334, A>G. VCF-style: chr14-50628334-A-G. GRCh37 (hg19) VCF-style: chr14-51095052-A-G.
Other names: c.1423A>G, p.Ser475Gly (NM_001127713.1, NM_181598.4); short protein forms S475G.
Identifiers: ClinVar variation 2891901 (VCV002891901.3), dbSNP rs761548066, ClinGen allele CA7180478.

ClinVar aggregate classification (germline): Uncertain significance (1 of 4 stars; one submission).

Conditions:
Hereditary spastic paraplegia 3A (SPG3A). Also called: SPASTIC PARAPLEGIA 3, AUTOSOMAL DOMINANT; FAMILIAL SPASTIC PARAPLEGIA, AUTOSOMAL DOMINANT, 1; SPG3; STRUMPELL DISEASE; Spastic Paraplegia 3A; Spastic paraplegia 3A, autosomal dominant. Identifiers: Orphanet 100984, MedGen C2931355, MONDO:0008437, OMIM 182600.

Allele frequency attached by ClinVar (database versions not stated): gnomAD exomes below 0.00001; ExAC 0.00001.
gnomAD v4.1: 1 of 1,614,174 alleles (0.000062%); highest among the groups gnomAD compares: Non-Finnish European, 0.000085%; no homozygotes.

Submission:

Labcorp Genetics (formerly Invitae), Labcorp
Classification: Uncertain significance for Hereditary spastic paraplegia 3A. Last evaluated: 2023-06-15. Review status: criteria provided, single submitter. Criteria: Invitae Variant Classification Sherloc (09022015). Collection method: clinical testing. Allele origin: germline.
Comment: This sequence change replaces serine, which is neutral and polar, with glycine, which is neutral and non-polar, at codon 475 of the ATL1 protein (p.Ser475Gly). This variant is present in population databases (rs761548066, gnomAD 0.0009%). This variant has not been reported in the literature in individuals affected with ATL1-related conditions. Advanced modeling of protein sequence and biophysical properties (such as structural, functional, and spatial information, amino acid conservation, physicochemical variation, residue mobility, and thermodynamic stability) performed at Invitae indicates that this missense variant is not expected to disrupt ATL1 protein function. In summary, the available evidence is currently insufficient to determine the role of this variant in disease. Therefore, it has been classified as a Variant of Uncertain Significance.